The following is an entry in ClinVar:

ClinVar aggregate classification (germline): Uncertain significance (1 of 4 stars; one submission).

Allele frequency attached by ClinVar (database versions not stated): ExAC 0.00001.
gnomAD v4.1: 6 of 1,507,852 alleles (0.0004%); highest among the groups gnomAD compares: Non-Finnish European, 0.00053%; no homozygotes.

Submission:

Labcorp Genetics (formerly Invitae), Labcorp
Classification: Uncertain significance. Last evaluated: 2023-08-31. Review status: criteria provided, single submitter. Criteria: Invitae Variant Classification Sherloc (09022015). Collection method: clinical testing. Allele origin: germline.
Comment: In summary, the available evidence is currently insufficient to determine the role of this variant in disease. Therefore, it has been classified as a Variant of Uncertain Significance. Algorithms developed to predict the effect of missense changes on protein structure and function output the following: SIFT: "Not Available"; PolyPhen-2: "Benign"; Align-GVGD: "Not Available". The alanine amino acid residue is found in multiple mammalian species, which suggests that this missense change does not adversely affect protein function. ClinVar contains an entry for this variant (Variation ID: 1952036). This variant has not been reported in the literature in individuals affected with MKL1-related conditions. This variant is present in population databases (rs763649046, gnomAD 0.001%). This sequence change replaces valine, which is neutral and non-polar, with alanine, which is neutral and non-polar, at codon 782 of the MKL1 protein (p.Val782Ala).

NM_020831.6(MRTFA):c.2645T>C (p.Val882Ala)

Gene: MRTFA (myocardin related transcription factor A; minus strand). Cytogenetic location: 22q13.1.
Variant type: single nucleotide variant.
Coding change: c.2645T>C on transcript NM_020831.6 (MANE Select); coding-DNA position 2645, T replaced by C.
Protein change: p.Val882Ala; replaces valine 882 with alanine.
Molecular consequence: missense variant. On other transcripts: synonymous variant (1).
Genome position (GRCh38, 1-based): chr22:40,411,841, A>G on the plus strand (T>C on the coding strand, the complement: MRTFA is on the minus strand). VCF-style: chr22-40411841-A-G. GRCh37 (hg19) VCF-style: chr22-40807845-A-G.
Other names: c.2345T>C, p.Val782Ala (NM_001282660.2); c.2495T>C, p.Val832Ala (NM_001282661.3); c.2655T>C, p.Ser885= (NM_001282662.3); c.2450T>C, p.Val817Ala (NM_001318139.2); short protein forms V817A, V782A, V832A, V882A.
Identifiers: ClinVar variation 1952036 (VCV001952036.5), dbSNP rs763649046, ClinGen allele CA10249244.
Genomic context (GRCh38, chr22:40,411,841, plus strand): 5'-GGGGCAGCCTGGGGGAGCTCAGCAGAAGGTGATGGCTGTGCTGCCAGGGGGGACCCACAG[A>G]CTGTCTTCGGGGATGGCTTCTCCTTCCCTGGCAGGGATGGCGGCTCCTTGAAATCTGCTG-3'
Protein context (NP_065882.2, residues 872-892): PGKEKPSPKT[Val882Ala]CGSPLAAQPS